The following is an entry in ClinVar:

NM_001009999.3(KDM1A):c.2345G>A (p.Arg782Gln)

Gene: KDM1A (lysine demethylase 1A; plus strand). Cytogenetic location: 1p36.12.
Variant type: single nucleotide variant.
Coding change: c.2345G>A on transcript NM_001009999.3 (MANE Select); coding-DNA position 2345, G replaced by A.
Protein change: p.Arg782Gln; replaces arginine 782 with glutamine.
Molecular consequence: missense variant.
Genome position (GRCh38, 1-based): chr1:23,082,266, G>A. VCF-style: chr1-23082266-G-A. GRCh37 (hg19) VCF-style: chr1-23408759-G-A.
Other names: c.2291G>A, p.Arg764Gln (NM_001363654.2); c.2273G>A, p.Arg758Gln (NM_015013.4); c.2345G>A (NM_001009999.2); short protein forms R758Q, R764Q, R782Q.
Identifiers: ClinVar variation 689578 (VCV000689578.2), dbSNP rs1569834441, ClinGen allele CA338972218.

ClinVar aggregate classification (germline): Uncertain significance. Review status: criteria provided, single submitter (1 of 4 stars). 2 submissions from 2 submitters: Uncertain significance (1). 1 of the submissions does not count toward it. Last evaluated 2025-10-25.

Conditions:
Global developmental delay (DD). Also called: Cognitive delay. Identifiers: MedGen C0557874, HP:0001263. Disease mechanism: loss of function.
Inborn genetic diseases. Identifiers: MedGen C0950123, MeSH D030342.

Allele frequency attached by ClinVar (database versions not stated): gnomAD exomes below 0.00001.
gnomAD v4.1: 1 of 1,613,620 alleles (0.000062%); highest among the groups gnomAD compares: Non-Finnish European, 0.000085%; no homozygotes.

Submissions (2):

Ambry Genetics
Classification: Uncertain significance for Inborn genetic diseases. Last evaluated: 2025-10-25. Review status: criteria provided, single submitter. Criteria: Ambry Variant Classification Scheme 2023. Collection method: clinical testing. Allele origin: germline.
Comment: The p.R782Q variant (also known as c.2345G>A), located in coding exon 20 of the KDM1A gene, results from a G to A substitution at nucleotide position 2345. The arginine at codon 782 is replaced by glutamine, an amino acid with highly similar properties. This amino acid position is conserved. In addition, this alteration is predicted to be deleterious by in silico analysis. Based on the available evidence, the clinical significance of this variant remains unclear.

Institute of Human Genetics, University of Wuerzburg
Classification: Uncertain significance for Global developmental delay. Review status: no assertion criteria provided. Collection method: clinical testing. Allele origin: unknown. Not counted in ClinVar's aggregate classification.